The following is an entry in ClinVar:

NM_000218.3(KCNQ1):c.1514+37575_1514+37600del

Genes: KCNQ1 (potassium voltage-gated channel subfamily Q member 1; plus strand), KCNQ1OT1 (KCNQ1 opposite strand/antisense transcript 1; minus strand). Cytogenetic location: 11p15.5.
Variant type: Deletion.
Coding change: c.1514+37575_1514+37600del on transcript NM_000218.3 (MANE Select); bases 37575 to 37600 of the intron after coding-DNA position 1514, 26 bases deleted (GAACCCCCGGGGAGAACCGCGCCGAA).
Molecular consequence: intron variant. On other transcripts: non-coding transcript variant (1).
Genome position (GRCh38, 1-based): chr11:2,699,656-2,699,681, GAACCCCCGGGGAGAACCGCGCCGAA deleted; deleting any 26 consecutive bases within chr11:2,699,644-2,699,681 gives the same sequence; the c. name uses the placement nearest the transcript's 3' end. VCF-style (leftmost placement, unchanged base first): chr11-2699643-CAACCGCGCCGAAGAACCCCCGGGGAG-C. GRCh37 (hg19) VCF-style: chr11-2720873-CAACCGCGCCGAAGAACCCCCGGGGAG-C.
Other names: c.1244+37575_1244+37600del (NM_001406837.1); c.1418+37575_1418+37600del (NM_001406836.1); c.974+37575_974+37600del (NM_001406838.1); c.1133+37575_1133+37600del (NM_181798.2).
Identifiers: ClinVar variation 3257244 (VCV003257244.17).

ClinVar aggregate classification (germline): Likely benign (1 of 4 stars; one submission).

Submission:

CeGaT Center for Human Genetics Tuebingen
Classification: Likely benign. Last evaluated: 2024-07-01. Review status: criteria provided, single submitter. Criteria: CeGaT Center For Human Genetics Tuebingen Variant Classification Criteria Version 2. Collection method: clinical testing. Allele origin: germline. Affected: yes. Observed: 1 variant allele.
Comment: KCNQ1OT1: BS2